The following is an entry in ClinVar:

ClinVar aggregate classification (germline): Uncertain significance (1 of 4 stars; one submission).

Conditions:
Progressive muscular dystrophy. Identifiers: Orphanet 206644, MedGen C4551827, MONDO:0016106.

Submission:

Myriad Genetics, Inc.
Classification: Uncertain significance for Progressive muscular dystrophy. Last evaluated: 2026-01-21. Review status: criteria provided, single submitter. Criteria: Myriad Autosomal Dominant, Autosomal Recessive and X-Linked Classification Criteria (2023). Collection method: clinical testing. Allele origin: unknown.
Comment: NM_004006.2(DMD):c.265G>A(V89I) is a missense variant classified as a variant of uncertain significance in the context of dystrophinopathy (including Duchenne/Becker muscular dystrophy). V89I has not been observed in cases with relevant disease. Relevant functional assessments of this variant are not available in the literature. V89I has not been observed in referenced population frequency databases. In summary, there is insufficient evidence to classify NM_004006.2(DMD):c.265G>A(V89I) as pathogenic or benign. Please note: this variant was assessed in the context of healthy population screening.

NM_004006.3(DMD):c.265G>A (p.Val89Ile)

Gene: DMD (dystrophin; minus strand). Cytogenetic location: Xp21.1.
Variant type: single nucleotide variant.
Coding change: c.265G>A on transcript NM_004006.3 (MANE Select); coding-DNA position 265, G replaced by A.
Protein change: p.Val89Ile; replaces valine 89 with isoleucine.
Molecular consequence: missense variant. On other transcripts: 5 prime UTR variant (1).
Genome position (GRCh38, 1-based): chrX:32,823,387, C>T on the plus strand (G>A on the coding strand, the complement: DMD is on the minus strand). VCF-style: chrX-32823387-C-T. GRCh37 (hg19) VCF-style: chrX-32841504-C-T.
Other names: c.241G>A, p.Val81Ile (NM_000109.4); c.253G>A, p.Val85Ile (NM_004009.3); c.-105G>A (NM_004010.3); short protein forms V85I, V89I, V81I.
Identifiers: ClinVar variation 5003834 (VCV005003834.1).